The following is an entry in ClinVar:

NM_014795.4(ZEB2):c.2947G>A (p.Asp983Asn)

Gene: ZEB2 (zinc finger E-box binding homeobox 2; minus strand). Cytogenetic location: 2q22.3.
Variant type: single nucleotide variant.
Coding change: c.2947G>A on transcript NM_014795.4 (MANE Select); coding-DNA position 2947, G replaced by A.
Protein change: p.Asp983Asn; replaces aspartic acid 983 with asparagine.
Molecular consequence: missense variant.
Genome position (GRCh38, 1-based): chr2:144,396,532, C>T on the plus strand (G>A on the coding strand, the complement: ZEB2 is on the minus strand). VCF-style: chr2-144396532-C-T. GRCh37 (hg19) VCF-style: chr2-145154099-C-T.
Other names: c.2875G>A, p.Asp959Asn (NM_001171653.2); c.2947G>A (NM_014795.3); short protein forms D959N, D983N.
Identifiers: ClinVar variation 1962325 (VCV001962325.6), dbSNP rs2549104840, ClinGen allele CA348704412.

ClinVar aggregate classification (germline): Uncertain significance. Review status: criteria provided, multiple submitters, no conflicts (2 of 4 stars). 2 submissions from 2 submitters: Uncertain significance (2). Last evaluated 2023-11-17.

Conditions:
Mowat-Wilson syndrome (MOWS). Also called: Classic Mowat-Wilson Syndrome. Identifiers: Orphanet 2152, MedGen C1856113, MONDO:0009341, OMIM 235730.

Allele frequency attached by ClinVar (database versions not stated): gnomAD exomes below 0.00001.
gnomAD v4.1: 2 of 1,614,048 alleles (0.00012%); highest among the groups gnomAD compares: Non-Finnish European, 0.000085%; no homozygotes.

Submissions (2):

GeneDx
Classification: Uncertain significance. Last evaluated: 2023-11-17. Review status: criteria provided, single submitter. Criteria: GeneDx Variant Classification Process June 2021. Collection method: clinical testing. Allele origin: germline. Affected: yes.
Comment: Not observed at significant frequency in large population cohorts (gnomAD); In silico analysis supports that this missense variant has a deleterious effect on protein structure/function; Has not been previously published as pathogenic or benign to our knowledge

Labcorp Genetics (formerly Invitae), Labcorp
Classification: Uncertain significance for Mowat-Wilson syndrome. Last evaluated: 2022-08-09. Review status: criteria provided, single submitter. Criteria: Invitae Variant Classification Sherloc (09022015). Collection method: clinical testing. Allele origin: germline.
Comment: In summary, the available evidence is currently insufficient to determine the role of this variant in disease. Therefore, it has been classified as a Variant of Uncertain Significance. Algorithms developed to predict the effect of missense changes on protein structure and function are either unavailable or do not agree on the potential impact of this missense change (SIFT: "Deleterious"; PolyPhen-2: "Benign"; Align-GVGD: "Class C0"). This variant has not been reported in the literature in individuals affected with ZEB2-related conditions. This variant is not present in population databases (gnomAD no frequency). This sequence change replaces aspartic acid, which is acidic and polar, with asparagine, which is neutral and polar, at codon 983 of the ZEB2 protein (p.Asp983Asn).